The following is an entry in ClinVar:

NM_014141.6(CNTNAP2):c.89C>G (p.Ser30Cys)

Gene: CNTNAP2 (contactin associated protein 2; plus strand). Cytogenetic location: 7q35.
Variant type: single nucleotide variant.
Coding change: c.89C>G on transcript NM_014141.6 (MANE Select); coding-DNA position 89, C replaced by G.
Protein change: p.Ser30Cys; replaces serine 30 with cysteine.
Molecular consequence: missense variant.
Genome position (GRCh38, 1-based): chr7:146,116,965, C>G. VCF-style: chr7-146116965-C-G. GRCh37 (hg19) VCF-style: chr7-145814057-C-G.
Other names: short protein forms S30C.
Identifiers: ClinVar variation 2118821 (VCV002118821.4), dbSNP rs2535699142, ClinGen allele CA369922156.

ClinVar aggregate classification (germline): Uncertain significance (1 of 4 stars; one submission).

Conditions:
Cortical dysplasia-focal epilepsy syndrome (PTHSL1). Also called: Pitt-Hopkins-like syndrome 1. Identifiers: Orphanet 163681, Orphanet 221150, MedGen C2750246, MONDO:0012400, OMIM 610042.

Allele frequency attached by ClinVar (database versions not stated): gnomAD exomes below 0.00001.
gnomAD v4.1: 1 of 1,551,524 alleles (0.000064%); highest among the groups gnomAD compares: Non-Finnish European, 0.000087%; no homozygotes.

Submission:

Labcorp Genetics (formerly Invitae), Labcorp
Classification: Uncertain significance for Cortical dysplasia-focal epilepsy syndrome. Last evaluated: 2023-07-07. Review status: criteria provided, single submitter. Criteria: Invitae Variant Classification Sherloc (09022015). Collection method: clinical testing. Allele origin: germline.
Comment: This variant has not been reported in the literature in individuals affected with CNTNAP2-related conditions. This sequence change replaces serine, which is neutral and polar, with cysteine, which is neutral and slightly polar, at codon 30 of the CNTNAP2 protein (p.Ser30Cys). This variant is not present in population databases (gnomAD no frequency). ClinVar contains an entry for this variant (Variation ID: 2118821). An algorithm developed to predict the effect of missense changes on protein structure and function (PolyPhen-2) suggests that this variant is likely to be tolerated. In summary, the available evidence is currently insufficient to determine the role of this variant in disease. Therefore, it has been classified as a Variant of Uncertain Significance.